The following is an entry in ClinVar:

ClinVar aggregate classification (germline): Uncertain significance (1 of 4 stars; one submission).

Conditions:
Autosomal recessive spastic paraplegia type 78. Identifiers: Orphanet 513436, MedGen C5567893, MONDO:0014975, OMIM 617225.
Kufor-Rakeb syndrome (KRS). Also called: PARKINSON DISEASE 9, AUTOSOMAL RECESSIVE, JUVENILE-ONSET. Identifiers: Orphanet 306674, Orphanet 314632, MedGen C1847640, MONDO:0011706, OMIM 606693.

Allele frequency attached by ClinVar (database versions not stated): gnomAD exomes below 0.00001; TOPMed below 0.00001; ExAC 0.00001.
gnomAD v4.1: 7 of 1,613,552 alleles (0.00043%); highest among the groups gnomAD compares: Admixed American, 0.0017%; no homozygotes.

Submission:

Labcorp Genetics (formerly Invitae), Labcorp
Classification: Uncertain significance for Kufor-Rakeb syndrome; Autosomal recessive spastic paraplegia type 78. Last evaluated: 2022-07-16. Review status: criteria provided, single submitter. Criteria: Invitae Variant Classification Sherloc (09022015). Collection method: clinical testing. Allele origin: germline.
Comment: In summary, the available evidence is currently insufficient to determine the role of this variant in disease. Therefore, it has been classified as a Variant of Uncertain Significance. Algorithms developed to predict the effect of sequence changes on RNA splicing suggest that this variant may create or strengthen a splice site. Advanced modeling of protein sequence and biophysical properties (such as structural, functional, and spatial information, amino acid conservation, physicochemical variation, residue mobility, and thermodynamic stability) performed at Invitae indicates that this missense variant is not expected to disrupt ATP13A2 protein function. This variant has not been reported in the literature in individuals affected with ATP13A2-related conditions. This variant is present in population databases (rs777891964, gnomAD 0.003%). This sequence change replaces asparagine, which is neutral and polar, with serine, which is neutral and polar, at codon 955 of the ATP13A2 protein (p.Asn955Ser).

NM_022089.4(ATP13A2):c.2864A>G (p.Asn955Ser)

Gene: ATP13A2 (ATPase cation transporting 13A2; minus strand). Cytogenetic location: 1p36.13.
Variant type: single nucleotide variant.
Coding change: c.2864A>G on transcript NM_022089.4 (MANE Select); coding-DNA position 2864, A replaced by G.
Protein change: p.Asn955Ser; replaces asparagine 955 with serine.
Molecular consequence: missense variant.
Genome position (GRCh38, 1-based): chr1:16,987,265, T>C on the plus strand (A>G on the coding strand, the complement: ATP13A2 is on the minus strand). VCF-style: chr1-16987265-T-C. GRCh37 (hg19) VCF-style: chr1-17313760-T-C.
Other names: c.2849A>G, p.Asn950Ser (NM_001141973.3); c.2732A>G, p.Asn911Ser (NM_001141974.3); short protein forms N911S, N950S, N955S.
Identifiers: ClinVar variation 1954259 (VCV001954259.5), dbSNP rs777891964, ClinGen allele CA636676.